The following is an entry in ClinVar:

ClinVar aggregate classification (germline): Uncertain significance (1 of 4 stars; one submission).

Conditions:
Dilated cardiomyopathy 1O (CMD1O). Also called: CARDIOMYOPATHY, DILATED, WITH VENTRICULAR TACHYCARDIA. Identifiers: Orphanet 154, MedGen C1837839, MONDO:0012062, OMIM 608569.

Submission:

Labcorp Genetics (formerly Invitae), Labcorp
Classification: Uncertain significance for Dilated cardiomyopathy 1O. Last evaluated: 2025-06-18. Review status: criteria provided, single submitter. Criteria: Invitae Variant Classification Sherloc (09022015). Collection method: clinical testing. Allele origin: germline.
Comment: This sequence change replaces leucine, which is neutral and non-polar, with methionine, which is neutral and non-polar, at codon 1111 of the ABCC9 protein (p.Leu1111Met). This variant is not present in population databases (gnomAD no frequency). This variant has not been reported in the literature in individuals affected with ABCC9-related conditions. Invitae Evidence Modeling of protein sequence and biophysical properties (such as structural, functional, and spatial information, amino acid conservation, physicochemical variation, residue mobility, and thermodynamic stability) has been performed for this missense variant. However, the output from this modeling did not meet the statistical confidence thresholds required to predict the impact of this variant on ABCC9 protein function. In summary, the available evidence is currently insufficient to determine the role of this variant in disease. Therefore, it has been classified as a Variant of Uncertain Significance.

NM_020297.4(ABCC9):c.3331T>A (p.Leu1111Met)

Gene: ABCC9 (ATP binding cassette subfamily C member 9; minus strand). Cytogenetic location: 12p12.1.
Variant type: single nucleotide variant.
Coding change: c.3331T>A on transcript NM_020297.4 (MANE Select); coding-DNA position 3331, T replaced by A.
Protein change: p.Leu1111Met; replaces leucine 1111 with methionine.
Molecular consequence: missense variant.
Genome position (GRCh38, 1-based): chr12:21,842,456, A>T on the plus strand (T>A on the coding strand, the complement: ABCC9 is on the minus strand). VCF-style: chr12-21842456-A-T. GRCh37 (hg19) VCF-style: chr12-21995390-A-T.
Other names: c.3331T>A, p.Leu1111Met (NM_001377273.1, NM_005691.4); c.2464T>A, p.Leu822Met (NM_001377274.1); short protein forms L822M, L1111M.
Identifiers: ClinVar variation 4707211 (VCV004707211.1).